The following is an entry in ClinVar:

NM_138295.5(PKD1L1):c.4938T>G (p.Tyr1646Ter)

Gene: PKD1L1 (polycystin 1 like 1, transient receptor potential channel interacting; minus strand). Cytogenetic location: 7p12.3.
Variant type: single nucleotide variant.
Coding change: c.4938T>G on transcript NM_138295.5 (MANE Select); coding-DNA position 4938, T replaced by G.
Protein change: p.Tyr1646Ter; replaces tyrosine 1646 with a stop codon.
Molecular consequence: nonsense.
Genome position (GRCh38, 1-based): chr7:47,853,149, A>C on the plus strand (T>G on the coding strand, the complement: PKD1L1 is on the minus strand). VCF-style: chr7-47853149-A-C. GRCh37 (hg19) VCF-style: chr7-47892747-A-C.
Other names: short protein forms Y1646*.
Identifiers: ClinVar variation 1299502 (VCV001299502.1), dbSNP rs2128741114, ClinGen allele CA367465947.

ClinVar aggregate classification (germline): Likely pathogenic (1 of 4 stars; one submission).

Conditions:
Heterotaxy, visceral, 8, autosomal (HTX8). Identifiers: MedGen C4310668, MONDO:0014967, OMIM 617205.

Allele frequency attached by ClinVar (database versions not stated): gnomAD exomes below 0.00001.

Submission:

Laboratory of Medical Genetics, National & Kapodistrian University of Athens
Classification: Likely pathogenic for Heterotaxy, visceral, 8, autosomal. Last evaluated: 2021-10-01. Review status: criteria provided, single submitter. Criteria: ACMG Guidelines, 2015. Collection method: clinical testing. Allele origin: unknown. Affected: yes.
Comment: PVS1, PM2, BP4

Literature cited by the submitters: PubMed 34008892.